The following is an entry in ClinVar:

ClinVar aggregate classification (germline): Likely pathogenic (1 of 4 stars; one submission).

Conditions:
Multiple congenital anomalies-hypotonia-seizures syndrome 1 (MCAHS1). Also called: PIGN-CDG; Congenital disorder of glycosylation due to PIGN deficiency; GLYCOSYLPHOSPHATIDYLINOSITOL BIOSYNTHESIS DEFECT 3. Identifiers: Orphanet 280633, MedGen C3279775, MONDO:0013563, OMIM 614080.

Submission:

Labcorp Genetics (formerly Invitae), Labcorp
Classification: Likely pathogenic for Multiple congenital anomalies-hypotonia-seizures syndrome 1. Last evaluated: 2022-08-09. Review status: criteria provided, single submitter. Criteria: Invitae Variant Classification Sherloc (09022015). Collection method: clinical testing. Allele origin: germline.
Comment: In summary, the currently available evidence indicates that the variant is pathogenic, but additional data are needed to prove that conclusively. Therefore, this variant has been classified as Likely Pathogenic. Algorithms developed to predict the effect of sequence changes on RNA splicing suggest that this variant may disrupt the consensus splice site. This variant has not been reported in the literature in individuals affected with PIGN-related conditions. This variant is not present in population databases (gnomAD no frequency). This sequence change affects a donor splice site in intron 27 of the PIGN gene. It is expected to disrupt RNA splicing. Variants that disrupt the donor or acceptor splice site typically lead to a loss of protein function (PMID: 16199547), and loss-of-function variants in PIGN are known to be pathogenic (PMID: 24253414, 27038415).

Literature cited by the submitters: PubMed 16199547; PubMed 24253414; PubMed 27038415.

NM_176787.5(PIGN):c.2502+1G>T

Gene: PIGN (phosphatidylinositol glycan anchor biosynthesis class N; minus strand). Cytogenetic location: 18q21.33.
Variant type: single nucleotide variant.
Coding change: c.2502+1G>T on transcript NM_176787.5 (MANE Select); the canonical splice donor site of the intron after coding-DNA position 2502, G replaced by T.
Molecular consequence: splice donor variant.
Genome position (GRCh38, 1-based): chr18:62,084,530, C>A on the plus strand (G>T on the coding strand, the complement: PIGN is on the minus strand). VCF-style: chr18-62084530-C-A. GRCh37 (hg19) VCF-style: chr18-59751763-C-A.
Other names: c.2502+1G>T (NM_012327.6).
Identifiers: ClinVar variation 2023263 (VCV002023263.4), dbSNP rs2512420115, ClinGen allele CA402601136.
Genomic context (GRCh38, chr18:62,084,530, plus strand): 5'-ATGACTTTATAATCTTAATCAATCAATAGCTTAAGACAAATAACAAAATAAGAAAACTAA[C>A]CTTCCACATCATCAGGGCTCCCATCATAAAAGGACTGAACACAGTCAGAAAGCAATAGAC-3'